The following is an entry in ClinVar:

ClinVar aggregate classification (germline): Uncertain significance. Review status: criteria provided, multiple submitters, no conflicts (2 of 4 stars). 2 submissions from 2 submitters: Uncertain significance (2). Last evaluated 2024-10-08.

Conditions:
Hyperaldosteronism, familial, type IV (HALD4). Also called: FH IV; ALDOSTERONISM, PRIMARY, AND HYPERTENSION. Identifiers: Orphanet 642671, MedGen C4310756, MONDO:0014875, OMIM 617027.
Idiopathic generalized epilepsy. Also called: Generalised epilepsy; EIG. Identifiers: MedGen C0270850, MONDO:0005579, OMIM 600669.

gnomAD v4.1: 1 of 1,522,362 alleles (0.000066%); no homozygotes.

Submissions (2):

Women's Health and Genetics/Laboratory Corporation of America, LabCorp
Classification: Uncertain significance. Last evaluated: 2024-10-08. Review status: criteria provided, single submitter. Criteria: LabCorp Variant Classification Summary - May 2015. Collection method: clinical testing. Allele origin: germline.
Comment: Variant summary: CACNA1H c.6440C>A (p.Pro2147Gln) results in a non-conservative amino acid change in the encoded protein sequence. Four of five in-silico tools predict a damaging effect of the variant on protein function. The frequency data for this variant in gnomAD is considered unreliable, as metrics indicate poor data quality at this position. To our knowledge, no occurrence of c.6440C>A in individuals affected with Idiopathic Generalized Epilepsy and no experimental evidence demonstrating its impact on protein function have been reported. ClinVar contains an entry for this variant (Variation ID: 2069974). Based on the evidence outlined above, the variant was classified as uncertain significance.

Labcorp Genetics (formerly Invitae), Labcorp
Classification: Uncertain significance for Idiopathic generalized epilepsy; Hyperaldosteronism, familial, type IV. Last evaluated: 2022-12-06. Review status: criteria provided, single submitter. Criteria: Invitae Variant Classification Sherloc (09022015). Collection method: clinical testing. Allele origin: germline.
Comment: This sequence change replaces proline, which is neutral and non-polar, with glutamine, which is neutral and polar, at codon 2147 of the CACNA1H protein (p.Pro2147Gln). In summary, the available evidence is currently insufficient to determine the role of this variant in disease. Therefore, it has been classified as a Variant of Uncertain Significance. Advanced modeling of protein sequence and biophysical properties (such as structural, functional, and spatial information, amino acid conservation, physicochemical variation, residue mobility, and thermodynamic stability) performed at Invitae indicates that this missense variant is not expected to disrupt CACNA1H protein function. This variant has not been reported in the literature in individuals affected with CACNA1H-related conditions. This variant is not present in population databases (gnomAD no frequency).

NM_021098.3(CACNA1H):c.6440C>A (p.Pro2147Gln)

Gene: CACNA1H (calcium voltage-gated channel subunit alpha1 H; plus strand). Cytogenetic location: 16p13.3.
Variant type: single nucleotide variant.
Coding change: c.6440C>A on transcript NM_021098.3 (MANE Select); coding-DNA position 6440, C replaced by A.
Protein change: p.Pro2147Gln; replaces proline 2147 with glutamine.
Molecular consequence: missense variant.
Genome position (GRCh38, 1-based): chr16:1,220,372, C>A. VCF-style: chr16-1220372-C-A. GRCh37 (hg19) VCF-style: chr16-1270372-C-A.
Other names: c.6422C>A, p.Pro2141Gln (NM_001005407.2); short protein forms P2141Q, P2147Q.
Identifiers: ClinVar variation 2069974 (VCV002069974.5), dbSNP rs748980218, ClinGen allele CA394149738.